The following is an entry in ClinVar:

ClinVar aggregate classification (germline): Uncertain significance. Review status: criteria provided, multiple submitters, no conflicts (2 of 4 stars). 2 submissions from 2 submitters: Uncertain significance (2). Last evaluated 2025-06-03.

Conditions:
Intellectual developmental disorder with or without epilepsy or cerebellar ataxia. Identifiers: MedGen C4748041, MONDO:0060745, OMIM 618060.
Inborn genetic diseases. Identifiers: MedGen C0950123, MeSH D030342.

Allele frequency attached by ClinVar (database versions not stated): gnomAD exomes 0.00001; TOPMed 0.00001; gnomAD 0.00001.
gnomAD v4.1: 10 of 1,536,888 alleles (0.00065%); highest among the groups gnomAD compares: Non-Finnish European, 0.00088%; no homozygotes.

Submissions (2):

Ambry Genetics
Classification: Uncertain significance for Inborn genetic diseases. Last evaluated: 2025-06-03. Review status: criteria provided, single submitter. Criteria: Ambry Variant Classification Scheme 2023. Collection method: clinical testing. Allele origin: germline.

Baylor Genetics
Classification: Uncertain significance for Intellectual developmental disorder with or without epilepsy or cerebellar ataxia. Last evaluated: 2019-12-16. Review status: criteria provided, single submitter. Criteria: ACMG Guidelines, 2015. Collection method: clinical testing. Allele origin: unknown. Affected: yes.
Comment: This variant was determined to be of uncertain significance according to ACMG Guidelines, 2015 [PMID:25741868].

NM_134261.3(RORA):c.140G>C (p.Arg47Thr)

Gene: RORA (RAR related orphan receptor A; minus strand). Cytogenetic location: 15q22.2.
Variant type: single nucleotide variant.
Coding change: c.140G>C on transcript NM_134261.3 (MANE Select); coding-DNA position 140, G replaced by C.
Protein change: p.Arg47Thr; replaces arginine 47 with threonine.
Molecular consequence: missense variant.
Genome position (GRCh38, 1-based): chr15:61,229,079, C>G on the plus strand (G>C on the coding strand, the complement: RORA is on the minus strand). VCF-style: chr15-61229079-C-G. GRCh37 (hg19) VCF-style: chr15-61521278-C-G.
Other names: short protein forms R47T.
Identifiers: ClinVar variation 1031121 (VCV001031121.4), dbSNP rs1256061363, ClinGen allele CA392802236.